The following is an entry in ClinVar:

NM_022725.4(FANCF):c.883G>A (p.Val295Ile)

Genes: FANCF (FA complementation group F; minus strand), LOC130005444 (ATAC-STARR-seq lymphoblastoid active region 4534; plus strand). Cytogenetic location: 11p14.3.
Variant type: single nucleotide variant.
Coding change: c.883G>A on transcript NM_022725.4 (MANE Select); coding-DNA position 883, G replaced by A.
Protein change: p.Val295Ile; replaces valine 295 with isoleucine.
Molecular consequence: missense variant.
Genome position (GRCh38, 1-based): chr11:22,624,928, C>T on the plus strand (G>A on the coding strand, the complement: FANCF is on the minus strand). VCF-style: chr11-22624928-C-T. GRCh37 (hg19) VCF-style: chr11-22646474-C-T.
Other names: short protein forms V295I.
Identifiers: ClinVar variation 215922 (VCV000215922.37), dbSNP rs7103293, ClinGen allele CA336298.
Genomic context (GRCh38, chr11:22,624,928, plus strand): 5'-AGAGGCTTTGAAACCTATTGTGCAACTCCTCCCAGGGCACATCTTGGGACTCAGTTCCAA[C>T]CCAAATGCCTTTCTGAAGGTCATAGTGCAAACGTTGACCCCAGTCTGTTAGCAGACCCAG-3'
Protein context (NP_073562.1, residues 285-305): LHYDLQKGIW[Val295Ile]GTESQDVPWE

ClinVar aggregate classification (germline): Benign/Likely benign. Review status: criteria provided, multiple submitters, no conflicts (2 of 4 stars). 3 submissions from 3 submitters: Benign (2); Likely benign (1). Last evaluated 2026-02-01.

Conditions:
Fanconi anemia (FA). Also called: Fanconi's anemia. Identifiers: Orphanet 84, MedGen C0015625, MeSH D005199, MONDO:0019391.

Allele frequency attached by ClinVar (database versions not stated): gnomAD exomes 0.00043 and 0.00118; ExAC 0.00127; 1000 Genomes Project 30x 0.00375; 1000 Genomes Project 0.00379; gnomAD 0.00421 and 0.00448; ESP Exome Variant Server 0.00454; TOPMed 0.00475.

Submissions (3):

Labcorp Genetics (formerly Invitae), Labcorp
Classification: Benign for Fanconi anemia. Last evaluated: 2026-02-01. Review status: criteria provided, single submitter. Criteria: Invitae Variant Classification Sherloc (09022015). Collection method: clinical testing. Allele origin: germline.

CeGaT Center for Human Genetics Tuebingen
Classification: Benign. Last evaluated: 2023-09-01. Review status: criteria provided, single submitter. Criteria: CeGaT Center For Human Genetics Tuebingen Variant Classification Criteria Version 2. Collection method: clinical testing. Allele origin: germline. Affected: yes. Observed: 1 variant allele.
Comment: FANCF: BP4, BS1, BS2

GeneDx
Classification: Likely benign. Last evaluated: 2021-01-22. Review status: criteria provided, single submitter. Criteria: GeneDx Variant Classification Process June 2021. Collection method: clinical testing. Allele origin: germline. Affected: yes.
Comment: See Variant Classification Assertion Criteria.